The following is an entry in ClinVar:

NM_001199397.3(NEK1):c.3279T>A (p.Asp1093Glu)

Gene: NEK1 (NIMA related kinase 1; minus strand). Cytogenetic location: 4q33.
Variant type: single nucleotide variant.
Coding change: c.3279T>A on transcript NM_001199397.3 (MANE Select); coding-DNA position 3279, T replaced by A.
Protein change: p.Asp1093Glu; replaces aspartic acid 1093 with glutamic acid.
Molecular consequence: missense variant. On other transcripts: non-coding transcript variant (1).
Genome position (GRCh38, 1-based): chr4:169,406,691, A>T on the plus strand (T>A on the coding strand, the complement: NEK1 is on the minus strand). VCF-style: chr4-169406691-A-T. GRCh37 (hg19) VCF-style: chr4-170327842-A-T.
Other names: c.3147T>A, p.Asp1049Glu (NM_001199398.3); c.2988T>A, p.Asp996Glu (NM_001199399.3); c.3063T>A, p.Asp1021Glu (NM_001199400.3); c.3279T>A, p.Asp1093Glu (NM_001374418.1); c.3195T>A, p.Asp1065Glu (NM_001374419.1, NM_012224.4); c.3144T>A, p.Asp1048Glu (NM_001374420.1); c.2796T>A, p.Asp932Glu (NM_001374421.1); short protein forms D1021E, D1065E, D1093E, D1048E, D932E, D1049E, D996E.
Identifiers: ClinVar variation 3719915 (VCV003719915.2).

ClinVar aggregate classification (germline): Uncertain significance (1 of 4 stars; one submission).

Conditions:
Short-rib thoracic dysplasia 6 with or without polydactyly (SRTD6). Also called: POLYDACTYLY WITH NEONATAL CHONDRODYSTROPHY, TYPE II; SHORT RIB-POLYDACTYLY SYNDROME, TYPE IIA; Majewski Syndrome; SHORT-RIB THORACIC DYSPLASIA 6 WITH POLYDACTYLY; SHORT-RIB THORACIC DYSPLASIA 6 WITHOUT POLYDACTYLY. Identifiers: MedGen C0024507, MONDO:0009894, OMIM 263520.

gnomAD v4.1: 17 of 1,610,830 alleles (0.0011%); highest among the groups gnomAD compares: Non-Finnish European, 0.0014%; no homozygotes.

Submission:

Labcorp Genetics (formerly Invitae), Labcorp
Classification: Uncertain significance for Short-rib thoracic dysplasia 6 with or without polydactyly. Last evaluated: 2025-03-13. Review status: criteria provided, single submitter. Criteria: Invitae Variant Classification Sherloc (09022015). Collection method: clinical testing. Allele origin: germline.
Comment: This sequence change replaces aspartic acid, which is acidic and polar, with glutamic acid, which is acidic and polar, at codon 1065 of the NEK1 protein (p.Asp1065Glu). This variant is present in population databases (rs756693133, gnomAD 0.003%). This variant has not been reported in the literature in individuals affected with NEK1-related conditions. Invitae Evidence Modeling of protein sequence and biophysical properties (such as structural, functional, and spatial information, amino acid conservation, physicochemical variation, residue mobility, and thermodynamic stability) has been performed for this missense variant. However, the output from this modeling did not meet the statistical confidence thresholds required to predict the impact of this variant on NEK1 protein function. In summary, the available evidence is currently insufficient to determine the role of this variant in disease. Therefore, it has been classified as a Variant of Uncertain Significance.